The following is an entry in ClinVar:

ClinVar aggregate classification (germline): Pathogenic (1 of 4 stars; one submission).

Conditions:
AHDC1-related intellectual disability - obstructive sleep apnea - mild dysmorphism syndrome. Also called: Xia-Gibbs syndrome. Identifiers: Orphanet 412069, MedGen C4014419, MONDO:0014358, OMIM 615829.

Submission:

Variantyx, Inc.
Classification: Pathogenic for AHDC1-related intellectual disability - obstructive sleep apnea - mild dysmorphism syndrome. Last evaluated: 2025-08-22. Review status: criteria provided, single submitter. Criteria: Variantyx Assertion Criteria 2022. Collection method: clinical testing. Allele origin: germline. Inheritance: Autosomal dominant inheritance. Affected: yes.
Comment: This is a frameshift variant in the AHDC1 gene (OMIM: 615790). Pathogenic variants in this gene have been associated with autosomal dominant Xia-Gibbs syndrome. This variant introduces a premature termination codon in exon 8 out of 9. It is expected to result in loss of function, which is a known disease mechanism for AHDC1 in this disorder (PMID: 24791903) (PVS1). This variant is absent from control populations (PM2). Based on the current evidence, this variant is classified as pathogenic for autosomal dominant Xia-Gibbs syndrome.

Literature cited by the submitters: PubMed 24791903.

NM_001371928.1(AHDC1):c.2667_2685del (p.Ser890fs)

Gene: AHDC1 (AT-hook DNA binding motif containing 1; minus strand). Cytogenetic location: 1p36.11.
Variant type: Deletion.
Coding change: c.2667_2685del on transcript NM_001371928.1 (MANE Select); coding-DNA positions 2667 to 2685, 19 bases deleted (TAGCCGGGGAGCCAAGGCC).
Protein change: p.Ser890fs; shifts the reading frame from serine 890.
Molecular consequence: frameshift variant.
Genome position (GRCh38, 1-based): chr1:27,549,431-27,549,449, GGCCTTGGCTCCCCGGCTA deleted on the plus strand (TAGCCGGGGAGCCAAGGCC on the coding strand, the reverse complement: AHDC1 is on the minus strand); deleting any 19 consecutive bases within chr1:27,549,431-27,549,451 gives the same sequence; the c. name uses the placement nearest the transcript's 3' end. VCF-style (leftmost placement, unchanged base first): chr1-27549430-TGGCCTTGGCTCCCCGGCTA-T. GRCh37 (hg19) VCF-style: chr1-27875941-TGGCCTTGGCTCCCCGGCTA-T.
Other names: c.2667_2685del, p.Ser890fs (NM_001029882.3); short protein forms S890fs.
Identifiers: ClinVar variation 4813060 (VCV004813060.1).